The following is an entry in ClinVar:

ClinVar aggregate classification (germline): Likely benign. Review status: criteria provided, multiple submitters, no conflicts (2 of 4 stars). 5 submissions from 5 submitters: Likely benign (5). Last evaluated 2026-06-01.

Conditions:
Dilated cardiomyopathy 1G (CMD1G). Identifiers: Orphanet 154, MedGen C1858763, MONDO:0011400, OMIM 604145.
Autosomal recessive limb-girdle muscular dystrophy type 2J (LGMDR10). Also called: MUSCULAR DYSTROPHY, LIMB-GIRDLE, AUTOSOMAL RECESSIVE 10; Limb-girdle muscular dystrophy, type 2J. Identifiers: Orphanet 140922, MedGen C1837342, MONDO:0012127, OMIM 608807.
Cardiovascular phenotype. Identifiers: MedGen CN230736.
Cardiomyopathy (CMYO). Also called: Cardiomyopathies. Identifiers: Orphanet 167848, MedGen C0878544, MONDO:0004994, HP:0001638. Inheritance: Various modes of inheritance.

Allele frequency attached by ClinVar (database versions not stated): gnomAD 0.00001; TOPMed 0.00001; ExAC 0.00002; gnomAD exomes 0.00002.
gnomAD v4.1: 36 of 1,613,384 alleles (0.0022%); highest among the groups gnomAD compares: Admixed American, 0.0033%; no homozygotes.

Submissions (5):

CeGaT Center for Human Genetics Tuebingen
Classification: Likely benign. Last evaluated: 2026-06-01. Review status: criteria provided, single submitter. Criteria: CeGaT Center For Human Genetics Tuebingen Variant Classification Criteria Version 2. Collection method: clinical testing. Allele origin: germline. Affected: yes. Observed: 1 variant allele.
Comment: TTN: BP4, BP7

Labcorp Genetics (formerly Invitae), Labcorp
Classification: Likely benign for Dilated cardiomyopathy 1G; Autosomal recessive limb-girdle muscular dystrophy type 2J. Last evaluated: 2025-05-27. Review status: criteria provided, single submitter. Criteria: Invitae Variant Classification Sherloc (09022015). Collection method: clinical testing. Allele origin: germline.

Ambry Genetics
Classification: Likely benign for Cardiovascular phenotype. Last evaluated: 2022-12-01. Review status: criteria provided, single submitter. Criteria: Ambry Variant Classification Scheme 2023. Collection method: clinical testing. Allele origin: germline.

CHEO Genetics Diagnostic Laboratory, Children's Hospital of Eastern Ontario
Classification: Likely benign for Cardiomyopathy. Last evaluated: 2021-09-24. Review status: criteria provided, single submitter. Criteria: ACMG Guidelines, 2015. Collection method: clinical testing. Allele origin: germline.

GeneDx
Classification: Likely benign. Last evaluated: 2020-12-21. Review status: criteria provided, single submitter. Criteria: GeneDx Variant Classification Process June 2021. Collection method: clinical testing. Allele origin: germline. Affected: yes.

NM_001267550.2(TTN):c.79728A>C (p.Ser26576=)

Genes: TTN (titin; minus strand), TTN-AS1 (TTN antisense RNA 1; plus strand). Cytogenetic location: 2q31.2.
Variant type: single nucleotide variant.
Coding change: c.79728A>C on transcript NM_001267550.2 (MANE Select); coding-DNA position 79728, A replaced by C.
Protein change: p.Ser26576=; no amino-acid change (serine 26576 retained).
Molecular consequence: synonymous variant.
Genome position (GRCh38, 1-based): chr2:178,566,404, T>G on the plus strand (A>C on the coding strand, the complement: TTN is on the minus strand). VCF-style: chr2-178566404-T-G. GRCh37 (hg19) VCF-style: chr2-179431131-T-G.
Other names: c.74805A>C, p.Ser24935= (NM_001256850.1); c.52533A>C, p.Ser17511= (NM_003319.4); c.72024A>C, p.Ser24008= (NM_133378.4); c.52908A>C, p.Ser17636= (NM_133432.3); c.53109A>C, p.Ser17703= (NM_133437.4).
Identifiers: ClinVar variation 511572 (VCV000511572.18), dbSNP rs760955443, ClinGen allele CA1989439.